The following is an entry in ClinVar:

ClinVar aggregate classification (germline): Uncertain significance. Review status: criteria provided, multiple submitters, no conflicts (2 of 4 stars). 2 submissions from 2 submitters: Uncertain significance (2). Last evaluated 2026-02-26.

Conditions:
Neuropathy, hereditary sensory and autonomic, type 2A (HSAN2A). Also called: ACROOSTEOLYSIS, GIACCAI TYPE; ACROOSTEOLYSIS, NEUROGENIC; MORVAN DISEASE; NEUROPATHY, CONGENITAL SENSORY; NEUROPATHY, HEREDITARY SENSORY RADICULAR, AUTOSOMAL RECESSIVE; NEUROPATHY, HEREDITARY SENSORY, TYPE IIA. Identifiers: Orphanet 970, MedGen C2752089, MONDO:0024309, OMIM 201300.
Generalized epilepsy with febrile seizures plus, type 7 (GEFSP7). Also called: GEFS+, TYPE 7. Identifiers: Orphanet 36387, MedGen C2751778, MONDO:0013470, OMIM 613863.
Inborn genetic diseases. Identifiers: MedGen C0950123, MeSH D030342.

gnomAD v4.1: 7 of 1,572,702 alleles (0.00045%); highest among the groups gnomAD compares: African/African-American, 0.0014%; no homozygotes.

Submissions (2):

Ambry Genetics
Classification: Uncertain significance for Inborn genetic diseases. Last evaluated: 2026-02-26. Review status: criteria provided, single submitter. Criteria: Ambry Variant Classification Scheme 2023. Collection method: clinical testing. Allele origin: germline.

Labcorp Genetics (formerly Invitae), Labcorp
Classification: Uncertain significance for Neuropathy, hereditary sensory and autonomic, type 2A; Generalized epilepsy with febrile seizures plus, type 7. Last evaluated: 2024-10-06. Review status: criteria provided, single submitter. Criteria: Invitae Variant Classification Sherloc (09022015). Collection method: clinical testing. Allele origin: germline.
Comment: This sequence change replaces isoleucine, which is neutral and non-polar, with leucine, which is neutral and non-polar, at codon 89 of the SCN9A protein (p.Ile89Leu). This variant is not present in population databases (gnomAD no frequency). This variant has not been reported in the literature in individuals affected with SCN9A-related conditions. ClinVar contains an entry for this variant (Variation ID: 2045615). Invitae Evidence Modeling of protein sequence and biophysical properties (such as structural, functional, and spatial information, amino acid conservation, physicochemical variation, residue mobility, and thermodynamic stability) indicates that this missense variant is not expected to disrupt SCN9A protein function with a negative predictive value of 80%. In summary, the available evidence is currently insufficient to determine the role of this variant in disease. Therefore, it has been classified as a Variant of Uncertain Significance.

NM_001365536.1(SCN9A):c.265A>T (p.Ile89Leu)

Gene: SCN9A (sodium voltage-gated channel alpha subunit 9; minus strand). Cytogenetic location: 2q24.3.
Variant type: single nucleotide variant.
Coding change: c.265A>T on transcript NM_001365536.1 (MANE Select); coding-DNA position 265, A replaced by T.
Protein change: p.Ile89Leu; replaces isoleucine 89 with leucine.
Molecular consequence: missense variant.
Genome position (GRCh38, 1-based): chr2:166,307,068, T>A on the plus strand (A>T on the coding strand, the complement: SCN9A is on the minus strand). VCF-style: chr2-166307068-T-A. GRCh37 (hg19) VCF-style: chr2-167163578-T-A.
Other names: c.265A>T, p.Ile89Leu (NM_002977.4); short protein forms I89L.
Identifiers: ClinVar variation 2045615 (VCV002045615.4), dbSNP rs201577842, ClinGen allele CA349095738.